The following is an entry in ClinVar:

NM_144997.7(FLCN):c.665T>C (p.Met222Thr)

Gene: FLCN (folliculin; minus strand). Cytogenetic location: 17p11.2.
Variant type: single nucleotide variant.
Coding change: c.665T>C on transcript NM_144997.7 (MANE Select); coding-DNA position 665, T replaced by C.
Protein change: p.Met222Thr; replaces methionine 222 with threonine.
Molecular consequence: missense variant.
Genome position (GRCh38, 1-based): chr17:17,222,615, A>G on the plus strand (T>C on the coding strand, the complement: FLCN is on the minus strand). VCF-style: chr17-17222615-A-G. GRCh37 (hg19) VCF-style: chr17-17125929-A-G.
Other names: c.719T>C, p.Met240Thr (NM_001353229.2); c.665T>C, p.Met222Thr (NM_001353230.2, NM_001353231.2, NM_144606.7); short protein forms M222T, M240T.
Identifiers: ClinVar variation 3279038 (VCV003279038.1).

ClinVar aggregate classification (germline): Uncertain significance (1 of 4 stars; one submission).

Conditions:
Hereditary cancer-predisposing syndrome. Also called: Tumor predisposition; Hereditary Cancer Syndrome; Hereditary neoplastic syndrome; Neoplastic Syndromes, Hereditary. Identifiers: Orphanet 140162, MedGen C0027672, MeSH D009386, MONDO:0015356.

Submission:

Ambry Genetics
Classification: Uncertain significance for Hereditary cancer-predisposing syndrome. Last evaluated: 2024-06-09. Review status: criteria provided, single submitter. Criteria: Ambry Variant Classification Scheme 2023. Collection method: clinical testing. Allele origin: germline.
Comment: The p.M222T variant (also known as c.665T>C), located in coding exon 4 of the FLCN gene, results from a T to C substitution at nucleotide position 665. The methionine at codon 222 is replaced by threonine, an amino acid with similar properties. This amino acid position is conserved. In addition, this alteration is predicted to be deleterious by in silico analysis. Based on the available evidence, the clinical significance of this variant remains unclear.